The following is an entry in ClinVar:

ClinVar aggregate classification (germline): Likely benign. Review status: criteria provided, single submitter (1 of 4 stars). 2 submissions from 2 submitters: Likely benign (1). 1 of the submissions does not count toward it. Last evaluated 2025-12-01.

Conditions:
AVIL-related disorder. Also called: AVIL-related condition.

Allele frequency attached by ClinVar (database versions not stated): gnomAD exomes 0.00010; TOPMed 0.00026; gnomAD 0.00008; ExAC 0.00036.
gnomAD v4.1: 158 of 1,612,316 alleles (0.0098%); highest among the groups gnomAD compares: Admixed American, 0.26%; 2 homozygotes.

Submissions (2):

CeGaT Center for Human Genetics Tuebingen
Classification: Likely benign. Last evaluated: 2025-12-01. Review status: criteria provided, single submitter. Criteria: CeGaT Center For Human Genetics Tuebingen Variant Classification Criteria Version 2. Collection method: clinical testing. Allele origin: germline. Affected: yes. Observed: 1 variant allele.
Comment: AVIL: BP4, BP7

PreventionGenetics, part of Exact Sciences
Classification: Likely benign for AVIL-related condition. Last evaluated: 2022-08-06. Review status: no assertion criteria provided. Collection method: clinical testing. Allele origin: germline. Not counted in ClinVar's aggregate classification.
Comment: This variant is classified as likely benign based on ACMG/AMP sequence variant interpretation guidelines (Richards et al. 2015 PMID: 25741868, with internal and published modifications).

NM_006576.4(AVIL):c.2412G>A (p.Leu804=)

Genes: AVIL (advillin; minus strand), TSFM (Ts translation elongation factor, mitochondrial; plus strand). Cytogenetic location: 12q14.1.
Variant type: single nucleotide variant.
Coding change: c.2412G>A on transcript NM_006576.4 (MANE Select); coding-DNA position 2412, G replaced by A.
Protein change: p.Leu804=; no amino-acid change (leucine 804 retained).
Molecular consequence: synonymous variant. On other transcripts: intron variant (1).
Genome position (GRCh38, 1-based): chr12:57,797,930, C>T on the plus strand (G>A on the coding strand, the complement: AVIL is on the minus strand). VCF-style: chr12-57797930-C-T. GRCh37 (hg19) VCF-style: chr12-58191713-C-T.
Other names: c.572-4625C>T (NM_001172697.2).
Identifiers: ClinVar variation 3036171 (VCV003036171.7), dbSNP rs760129273, ClinGen allele CA6659504.